The following is an entry in ClinVar:

NM_004168.4(SDHA):c.910G>A (p.Gly304Ser)

Gene: SDHA (succinate dehydrogenase complex flavoprotein subunit A; plus strand). Cytogenetic location: 5p15.33.
Variant type: single nucleotide variant.
Coding change: c.910G>A on transcript NM_004168.4 (MANE Select); coding-DNA position 910, G replaced by A.
Protein change: p.Gly304Ser; replaces glycine 304 with serine.
Molecular consequence: missense variant.
Genome position (GRCh38, 1-based): chr5:233,491, G>A. VCF-style: chr5-233491-G-A. GRCh37 (hg19) VCF-style: chr5-233606-G-A.
Other names: c.766G>A, p.Gly256Ser (NM_001294332.2); c.910G>A, p.Gly304Ser (NM_001330758.2); short protein forms G304S, G256S.
Identifiers: ClinVar variation 4827314 (VCV004827314.1).

ClinVar aggregate classification (germline): Uncertain significance (1 of 4 stars; one submission).

Conditions:
Hereditary cancer-predisposing syndrome. Also called: Neoplastic Syndromes, Hereditary; Tumor predisposition; Hereditary Cancer Syndrome; Hereditary neoplastic syndrome. Identifiers: Orphanet 140162, MedGen C0027672, MeSH D009386, MONDO:0015356.

gnomAD v4.1: 1 of 1,614,174 alleles (0.000062%); highest among the groups gnomAD compares: Non-Finnish European, 0.000085%; no homozygotes.

Submission:

Ambry Genetics
Classification: Uncertain significance for Hereditary cancer-predisposing syndrome. Last evaluated: 2026-03-01. Review status: criteria provided, single submitter. Criteria: Ambry Variant Classification Scheme 2023. Collection method: clinical testing. Allele origin: germline.
Comment: The p.G304S variant (also known as c.910G>A), located in coding exon 8 of the SDHA gene, results from a G to A substitution at nucleotide position 910. The glycine at codon 304 is replaced by serine, an amino acid with similar properties. This amino acid position is conserved. In addition, this alteration is predicted to be deleterious by in silico analysis. Based on the available evidence, the clinical significance of this variant remains unclear.